The following is an entry in ClinVar:

ClinVar aggregate classification (germline): Uncertain significance (1 of 4 stars; one submission).

Submission:

GeneDx
Classification: Uncertain significance. Last evaluated: 2019-05-28. Review status: criteria provided, single submitter. Criteria: GeneDx Variant Classification Process June 2021. Collection method: clinical testing. Allele origin: germline. Affected: yes.
Comment: Not observed in large population cohorts (Lek et al., 2016); In silico analysis, which includes protein predictors and evolutionary conservation, supports a deleterious effect; Has not been previously published as pathogenic or benign to our knowledge

NM_001195263.2(PDZD7):c.547G>A (p.Asp183Asn)

Gene: PDZD7 (PDZ domain containing 7; minus strand). Cytogenetic location: 10q24.31.
Variant type: single nucleotide variant.
Coding change: c.547G>A on transcript NM_001195263.2 (MANE Select); coding-DNA position 547, G replaced by A.
Protein change: p.Asp183Asn; replaces aspartic acid 183 with asparagine.
Molecular consequence: missense variant.
Genome position (GRCh38, 1-based): chr10:101,022,381, C>T on the plus strand (G>A on the coding strand, the complement: PDZD7 is on the minus strand). VCF-style: chr10-101022381-C-T. GRCh37 (hg19) VCF-style: chr10-102782138-C-T.
Other names: c.547G>A, p.Asp183Asn (NM_001351044.2, NM_024895.5); short protein forms D183N.
Identifiers: ClinVar variation 1308321 (VCV001308321.2), dbSNP rs991026624, ClinGen allele CA212988445.